The following is an entry in ClinVar:

NM_003924.4(PHOX2B):c.145A>G (p.Thr49Ala)

Genes: PHOX2B (paired like homeobox 2B; minus strand), PHOX2B-AS1 (PHOX2B antisense RNA 1; plus strand). Cytogenetic location: 4p13.
Variant type: single nucleotide variant.
Coding change: c.145A>G on transcript NM_003924.4 (MANE Select); coding-DNA position 145, A replaced by G.
Protein change: p.Thr49Ala; replaces threonine 49 with alanine.
Molecular consequence: missense variant.
Genome position (GRCh38, 1-based): chr4:41,748,466, T>C on the plus strand (A>G on the coding strand, the complement: PHOX2B is on the minus strand). VCF-style: chr4-41748466-T-C. GRCh37 (hg19) VCF-style: chr4-41750483-T-C.
Other names: c.145A>G (NM_003924.3); short protein forms T49A.
Identifiers: ClinVar variation 1441767 (VCV001441767.7), dbSNP rs2153113059, ClinGen allele CA356740981.

ClinVar aggregate classification (germline): Uncertain significance. Review status: criteria provided, multiple submitters, no conflicts (2 of 4 stars). 2 submissions from 2 submitters: Uncertain significance (2). Last evaluated 2026-07-07.

Conditions:
Hereditary cancer-predisposing syndrome. Also called: Hereditary Cancer Syndrome; Tumor predisposition; Neoplastic Syndromes, Hereditary; Hereditary neoplastic syndrome. Identifiers: Orphanet 140162, MedGen C0027672, MeSH D009386, MONDO:0015356.
Haddad syndrome (OHD). Also called: Ondine-Hirschsprung disease. Identifiers: Orphanet 99803, MedGen C1859049, MONDO:0020493.

gnomAD v4.1: 1 of 1,614,052 alleles (0.000062%); highest among the groups gnomAD compares: Non-Finnish European, 0.000085%; no homozygotes.

Submissions (2):

Ambry Genetics
Classification: Uncertain significance for Hereditary cancer-predisposing syndrome. Last evaluated: 2026-07-07. Review status: criteria provided, single submitter. Criteria: Ambry Variant Classification Scheme 2023. Collection method: clinical testing. Allele origin: germline.
Comment: The p.T49A variant (also known as c.145A>G), located in coding exon 1 of the PHOX2B gene, results from an A to G substitution at nucleotide position 145. The threonine at codon 49 is replaced by alanine, an amino acid with similar properties. This amino acid position is conserved. In addition, this alteration is predicted to be tolerated by in silico analysis. Based on the available evidence, the clinical significance of this variant remains unclear.

Labcorp Genetics (formerly Invitae), Labcorp
Classification: Uncertain significance for Haddad syndrome. Last evaluated: 2023-08-04. Review status: criteria provided, single submitter. Criteria: Invitae Variant Classification Sherloc (09022015). Collection method: clinical testing. Allele origin: germline.
Comment: This variant has not been reported in the literature in individuals affected with PHOX2B-related conditions. This variant is not present in population databases (gnomAD no frequency). This sequence change replaces threonine, which is neutral and polar, with alanine, which is neutral and non-polar, at codon 49 of the PHOX2B protein (p.Thr49Ala). ClinVar contains an entry for this variant (Variation ID: 1441767). In summary, the available evidence is currently insufficient to determine the role of this variant in disease. Therefore, it has been classified as a Variant of Uncertain Significance. Advanced modeling of protein sequence and biophysical properties (such as structural, functional, and spatial information, amino acid conservation, physicochemical variation, residue mobility, and thermodynamic stability) performed at Invitae indicates that this missense variant is not expected to disrupt PHOX2B protein function.